The following is an entry in ClinVar:

Conditions:
Breast-ovarian cancer, familial, susceptibility to, 1 (BROVCA1). Also called: BRCA1 Hereditary Breast and Ovarian Cancer; OVARIAN CANCER, SUSCEPTIBILITY TO. Identifiers: Orphanet 145, MedGen C2676676, MONDO:0011450, OMIM 604370. Disease mechanism: loss of function.

Submission:

Brotman Baty Institute, University of Washington
No classification provided (evidence only). Condition: Breast-ovarian cancer, familial 1. Review status: no classification provided. Collection method: in vitro. Allele origin: not applicable. Functional consequence: functionally_normal.
ClinVar note: "not provided" was previously submitted as the classification for the variant. However, the classification appeared to be based only on an observation of functional data so it was converted to no classification on 2025-07-30.

NM_007294.4(BRCA1):c.5278-9T>A

Gene: BRCA1 (BRCA1 DNA repair associated; minus strand). Cytogenetic location: 17q21.31.
Variant type: single nucleotide variant.
Coding change: c.5278-9T>A on transcript NM_007294.4 (MANE Select); 9 bases into the intron before coding-DNA position 5278, T replaced by A.
Molecular consequence: intron variant.
Genome position (GRCh38, 1-based): chr17:43,051,126, A>T on the plus strand (T>A on the coding strand, the complement: BRCA1 is on the minus strand). VCF-style: chr17-43051126-A-T. GRCh37 (hg19) VCF-style: chr17-41203143-A-T.
Other names: c.5272-9T>A (NM_001407630.1, NM_001407633.1, NM_001407642.1 and 14 more transcripts); c.5275-9T>A (NM_001407615.1, NM_001407625.1, NM_001407619.1 and 17 more transcripts); c.5338-9T>A (NM_001407591.1, NM_001407590.1); c.1843-9T>A (NM_001408441.1, NM_001408437.1, NM_001408442.1 and 10 more transcripts); c.1846-9T>A (NM_001408429.1, NM_001408426.1, NM_001408430.1 and 4 more transcripts); c.5149-9T>A (NM_001407683.1, NM_001407686.1, NM_001407685.1 and 6 more transcripts); c.5152-9T>A (NM_001407674.1, NM_001407939.1, NM_001407677.1 and 10 more transcripts); c.5155-3423T>A (NM_001407919.1); and 74 more.
Identifiers: ClinVar variation 865255 (VCV000865255.3), dbSNP rs2051216712, ClinGen allele CA916081066.